The following is an entry in ClinVar:

NM_006946.4(SPTBN2):c.6796G>A (p.Ala2266Thr)

Gene: SPTBN2 (spectrin beta, non-erythrocytic 2; minus strand). Cytogenetic location: 11q13.2.
Variant type: single nucleotide variant.
Coding change: c.6796G>A on transcript NM_006946.4 (MANE Select); coding-DNA position 6796, G replaced by A.
Protein change: p.Ala2266Thr; replaces alanine 2266 with threonine.
Molecular consequence: missense variant.
Genome position (GRCh38, 1-based): chr11:66,687,094, C>T on the plus strand (G>A on the coding strand, the complement: SPTBN2 is on the minus strand). VCF-style: chr11-66687094-C-T. GRCh37 (hg19) VCF-style: chr11-66454565-C-T.
Other names: c.6796G>A (NM_006946.2); short protein forms A2266T.
Identifiers: ClinVar variation 1428762 (VCV001428762.7), dbSNP rs138457770, ClinGen allele CA6127788.

ClinVar aggregate classification (germline): Benign/Likely benign. Review status: criteria provided, multiple submitters, no conflicts (2 of 4 stars). 2 submissions from 2 submitters: Benign (1); Likely benign (1). Last evaluated 2025-01-15.

Allele frequency attached by ClinVar (database versions not stated): ExAC 0.00002; gnomAD 0.00003; gnomAD exomes 0.00003 and 0.00007; ESP Exome Variant Server 0.00008; TOPMed 0.00008.
gnomAD v4.1: 54 of 1,614,004 alleles (0.0033%); highest among the groups gnomAD compares: South Asian, 0.014%; 1 homozygote.

Submissions (2):

Labcorp Genetics (formerly Invitae), Labcorp
Classification: Benign. Last evaluated: 2025-01-15. Review status: criteria provided, single submitter. Criteria: Invitae Variant Classification Sherloc (09022015). Collection method: clinical testing. Allele origin: germline.

Athena Diagnostics
Classification: Likely benign. Last evaluated: 2024-12-23. Review status: criteria provided, single submitter. Criteria: Athena Diagnostics Criteria. Collection method: clinical testing. Allele origin: unknown.
Comment: The frequency of this variant in the general population is higher than would generally be expected for pathogenic variants in this gene. Computational tools predict this amino acid change may be benign.